The following is an entry in ClinVar:

ClinVar aggregate classification (germline): Uncertain significance (1 of 4 stars; one submission).

Allele frequency attached by ClinVar (database versions not stated): gnomAD 0.00001; TOPMed below 0.00001; gnomAD exomes 0.00001 and below 0.00001.
gnomAD v4.1: 7 of 1,578,546 alleles (0.00044%); highest among the groups gnomAD compares: Non-Finnish European, 0.0006%; no homozygotes.

Submission:

Labcorp Genetics (formerly Invitae), Labcorp
Classification: Uncertain significance. Last evaluated: 2022-06-20. Review status: criteria provided, single submitter. Criteria: Invitae Variant Classification Sherloc (09022015). Collection method: clinical testing. Allele origin: germline.
Comment: This sequence change replaces isoleucine, which is neutral and non-polar, with serine, which is neutral and polar, at codon 1771 of the PCDH15 protein (p.Ile1771Ser). This variant is present in population databases (no rsID available, gnomAD 0.001%). This variant has not been reported in the literature in individuals affected with PCDH15-related conditions. Algorithms developed to predict the effect of missense changes on protein structure and function are either unavailable or do not agree on the potential impact of this missense change (SIFT: "Tolerated"; PolyPhen-2: "Not Available"; Align-GVGD: "Class C0"). Algorithms developed to predict the effect of sequence changes on RNA splicing suggest that this variant may create or strengthen a splice site. In summary, the available evidence is currently insufficient to determine the role of this variant in disease. Therefore, it has been classified as a Variant of Uncertain Significance.

NM_033056.4(PCDH15):c.5312T>G (p.Ile1771Ser)

Gene: PCDH15 (protocadherin related 15; minus strand). Cytogenetic location: 10q21.1.
Variant type: single nucleotide variant.
Coding change: c.5312T>G on transcript NM_033056.4 (MANE Plus Clinical); coding-DNA position 5312, T replaced by G.
Protein change: p.Ile1771Ser; replaces isoleucine 1771 with serine.
Molecular consequence: missense variant. On other transcripts: intron variant (8).
Genome position (GRCh38, 1-based): chr10:53,822,414, A>C on the plus strand (T>G on the coding strand, the complement: PCDH15 is on the minus strand). VCF-style: chr10-53822414-A-C. GRCh37 (hg19) VCF-style: chr10-55582174-A-C.
Other names: c.5243T>G, p.Ile1748Ser (NM_001142773.2); c.5246T>G, p.Ile1749Ser (NM_001354404.2); c.4367+4979T>G (NM_001354420.2); c.4368-4401T>G (NM_001354429.2); c.4368-2184T>G (NM_001384140.1); c.4373+2722T>G (NM_001142772.2, NM_001142770.3); c.4388+2722T>G (NM_001142771.2); c.4388+4979T>G (NM_001354411.2); and 7 more; short protein forms I1731S, I1778S, I1748S, I1749S, I1771S, I1773S, I1702S, I1751S.
Identifiers: ClinVar variation 1405149 (VCV001405149.9), dbSNP rs1437288212, ClinGen allele CA376525185.